The following is an entry in ClinVar:

NM_001166108.2(PALLD):c.2902G>A (p.Val968Ile)

Genes: CBR4 (carbonyl reductase 4; minus strand), PALLD (palladin, cytoskeletal associated protein; plus strand). Cytogenetic location: 4q32.3.
Variant type: single nucleotide variant.
Coding change: c.2902G>A on transcript NM_001166108.2 (MANE Select); coding-DNA position 2902, G replaced by A.
Protein change: p.Val968Ile; replaces valine 968 with isoleucine.
Molecular consequence: missense variant.
Genome position (GRCh38, 1-based): chr4:168,921,585, G>A. VCF-style: chr4-168921585-G-A. GRCh37 (hg19) VCF-style: chr4-169842736-G-A.
Other names: c.1705G>A, p.Val569Ile (NM_001166109.2); c.1390G>A, p.Val464Ile (NM_001166110.2); c.730G>A, p.Val244Ile (NM_001367567.1, NM_001367569.1); c.781G>A, p.Val261Ile (NM_001367568.1, NM_001367570.1); c.2851G>A, p.Val951Ile (NM_016081.4); c.2851G>A (NM_016081.3); short protein forms V464I, V951I, V244I, V261I, V569I, V968I.
Identifiers: ClinVar variation 573918 (VCV000573918.12), dbSNP rs551420048, ClinGen allele CA3135988.

ClinVar aggregate classification (germline): Conflicting classifications of pathogenicity. Review status: criteria provided, conflicting classifications (1 of 4 stars). 2 submissions from 2 submitters: Uncertain significance (1); Likely benign (1). Last evaluated 2025-03-09.

Conditions:
Pancreatic adenocarcinoma. Identifiers: MedGen C0281361, MONDO:0006047, HP:0006725.

Allele frequency attached by ClinVar (database versions not stated): gnomAD 0.00001 and 0.00004; TOPMed 0.00002; gnomAD exomes 0.00003 and 0.00005; ExAC 0.00006; 1000 Genomes Project 0.00040; 1000 Genomes Project 30x 0.00062.
gnomAD v4.1: 51 of 1,609,324 alleles (0.0032%); highest among the groups gnomAD compares: South Asian, 0.03%; no homozygotes.

Submissions (2):

Labcorp Genetics (formerly Invitae), Labcorp
Classification: Uncertain significance for Pancreatic adenocarcinoma. Last evaluated: 2025-03-09. Review status: criteria provided, single submitter. Criteria: Invitae Variant Classification Sherloc (09022015). Collection method: clinical testing. Allele origin: germline.
Comment: This sequence change replaces valine, which is neutral and non-polar, with isoleucine, which is neutral and non-polar, at codon 464 of the PALLD protein (p.Val464Ile). This variant is present in population databases (rs551420048, gnomAD 0.02%). This variant has not been reported in the literature in individuals affected with PALLD-related conditions. ClinVar contains an entry for this variant (Variation ID: 573918). An algorithm developed to predict the effect of missense changes on protein structure and function outputs the following: PolyPhen-2: "Benign". The isoleucine amino acid residue is found in multiple mammalian species, which suggests that this missense change does not adversely affect protein function. In summary, the available evidence is currently insufficient to determine the role of this variant in disease. Therefore, it has been classified as a Variant of Uncertain Significance.

Ambry Genetics
Classification: Likely benign. Last evaluated: 2023-02-25. Review status: criteria provided, single submitter. Criteria: Ambry Variant Classification Scheme 2023. Collection method: clinical testing. Allele origin: germline.